The following is an entry in ClinVar:

NM_006914.4(RORB):c.201G>T (p.Leu67=)

Gene: RORB (RAR related orphan receptor B; plus strand). Cytogenetic location: 9q21.13.
Variant type: single nucleotide variant.
Coding change: c.201G>T on transcript NM_006914.4 (MANE Select); coding-DNA position 201, G replaced by T.
Protein change: p.Leu67=; no amino-acid change (leucine 67 retained).
Molecular consequence: synonymous variant.
Genome position (GRCh38, 1-based): chr9:74,634,738, G>T. VCF-style: chr9-74634738-G-T. GRCh37 (hg19) VCF-style: chr9-77249654-G-T.
Other names: c.234G>T, p.Leu78= (NM_001365023.1).
Identifiers: ClinVar variation 4823488 (VCV004823488.4).

ClinVar aggregate classification (germline): Likely benign (1 of 4 stars; one submission).

gnomAD v4.1: 9 of 1,613,526 alleles (0.00056%); highest among the groups gnomAD compares: Non-Finnish European, 0.00076%; no homozygotes.

Submission:

CeGaT Center for Human Genetics Tuebingen
Classification: Likely benign. Last evaluated: 2026-02-01. Review status: criteria provided, single submitter. Criteria: CeGaT Center For Human Genetics Tuebingen Variant Classification Criteria Version 2. Collection method: clinical testing. Allele origin: germline. Affected: yes. Observed: 1 variant allele.
Comment: RORB: BP4, BP7